The following is an entry in ClinVar:

ClinVar aggregate classification (germline): Uncertain significance (1 of 4 stars; one submission).

Conditions:
Inborn genetic diseases. Identifiers: MedGen C0950123, MeSH D030342.

Submission:

Ambry Genetics
Classification: Uncertain significance for Inborn genetic diseases. Last evaluated: 2026-01-12. Review status: criteria provided, single submitter. Criteria: Ambry Variant Classification Scheme 2023. Collection method: clinical testing. Allele origin: germline.
Comment: The p.L1403P variant (also known as c.4208T>C), located in coding exon 42 of the FANCA gene, results from a T to C substitution at nucleotide position 4208. The leucine at codon 1403 is replaced by proline, an amino acid with similar properties. This amino acid position is conserved. In addition, this alteration is predicted to be deleterious by in silico analysis. Based on the available evidence, the clinical significance of this variant remains unclear.

NM_000135.4(FANCA):c.4208T>C (p.Leu1403Pro)

Genes: FANCA (FA complementation group A; minus strand), ZNF276 (zinc finger protein 276; plus strand). Cytogenetic location: 16q24.3.
Variant type: single nucleotide variant.
Coding change: c.4208T>C on transcript NM_000135.4 (MANE Select); coding-DNA position 4208, T replaced by C.
Protein change: p.Leu1403Pro; replaces leucine 1403 with proline.
Molecular consequence: missense variant. On other transcripts: synonymous variant (1), 3 prime UTR variant (2), non-coding transcript variant (4).
Genome position (GRCh38, 1-based): chr16:89,738,934, A>G on the plus strand (T>C on the coding strand, the complement: FANCA is on the minus strand). VCF-style: chr16-89738934-A-G. GRCh37 (hg19) VCF-style: chr16-89805342-A-G.
Other names: c.4212T>C, p.Ser1404= (NM_001286167.3); c.*688A>G (NM_001113525.2, NM_152287.4); short protein forms L1403P.
Identifiers: ClinVar variation 4843040 (VCV004843040.1).